The following is an entry in ClinVar:

NM_001164277.2(SLC37A4):c.83G>T (p.Arg28Leu)

Gene: SLC37A4 (solute carrier family 37 member 4; minus strand). Cytogenetic location: 11q23.3.
Variant type: single nucleotide variant.
Coding change: c.83G>T on transcript NM_001164277.2 (MANE Select); coding-DNA position 83, G replaced by T.
Protein change: p.Arg28Leu; replaces arginine 28 with leucine.
Molecular consequence: missense variant. On other transcripts: intron variant (1).
Genome position (GRCh38, 1-based): chr11:119,029,287, C>A on the plus strand (G>T on the coding strand, the complement: SLC37A4 is on the minus strand). VCF-style: chr11-119029287-C-A. GRCh37 (hg19) VCF-style: chr11-118899997-C-A.
Other names: c.83G>T, p.Arg28Leu (NM_001164278.2, NM_001164280.2, NM_001467.6); c.-172+105G>T (NM_001164279.2); short protein forms R28L.
Identifiers: ClinVar variation 2803174 (VCV002803174.3), dbSNP rs121908978, ClinGen allele CA382908516.
Genomic context (GRCh38, chr11:119,029,287, plus strand): 5'-TCATCCTTGTCCAAAGGGATCTCTTCCACCAATGATGGCATGACAAAGGAGAAGGTCTTG[C>A]GATTGAAGTAATACAGGCTGTAGCCCCCAAACATGGCTGAGAAGATCACAGTGCGATAAT-3'
Protein context (NP_001157749.1, residues 18-38): FGGYSLYYFN[Arg28Leu]KTFSFVMPSL

ClinVar aggregate classification (germline): Uncertain significance (1 of 4 stars; one submission).

Conditions:
Glucose-6-phosphate transport defect (GSD1B). Also called: Glycogen Storage Disease Type Ib; GSD Ib. Identifiers: Orphanet 364, Orphanet 79259, MedGen C0268146, MONDO:0009288, OMIM 232220.

Submission:

Labcorp Genetics (formerly Invitae), Labcorp
Classification: Uncertain significance for Glucose-6-phosphate transport defect. Last evaluated: 2023-12-13. Review status: criteria provided, single submitter. Criteria: Invitae Variant Classification Sherloc (09022015). Collection method: clinical testing. Allele origin: germline.
Comment: This sequence change replaces arginine, which is basic and polar, with leucine, which is neutral and non-polar, at codon 28 of the SLC37A4 protein (p.Arg28Leu). This variant is not present in population databases (gnomAD no frequency). This variant has not been reported in the literature in individuals affected with SLC37A4-related conditions. Advanced modeling of protein sequence and biophysical properties (such as structural, functional, and spatial information, amino acid conservation, physicochemical variation, residue mobility, and thermodynamic stability) performed at Invitae indicates that this missense variant is expected to disrupt SLC37A4 protein function with a positive predictive value of 80%. This variant disrupts the p.Arg28 amino acid residue in SLC37A4. Other variant(s) that disrupt this residue have been determined to be pathogenic (PMID: 10026167, 12444104, 18337460, 18835800, 27066451, 28224773). This suggests that this residue is clinically significant, and that variants that disrupt this residue are likely to be disease-causing. In summary, the available evidence is currently insufficient to determine the role of this variant in disease. Therefore, it has been classified as a Variant of Uncertain Significance.

Literature cited by the submitters: PubMed 10026167; PubMed 12444104; PubMed 18337460; PubMed 18835800; PubMed 27066451; PubMed 28224773.